The following is an entry in ClinVar:

ClinVar aggregate classification (germline): Uncertain significance. Review status: criteria provided, multiple submitters, no conflicts (2 of 4 stars). 2 submissions from 2 submitters: Uncertain significance (2). Last evaluated 2024-03-04.

Allele frequency attached by ClinVar (database versions not stated): TOPMed below 0.00001; gnomAD 0.00001; gnomAD exomes 0.00001 and 0.00003; ExAC 0.00002; 1000 Genomes Project 30x 0.00031; 1000 Genomes Project 0.00040.
gnomAD v4.1: 16 of 1,614,038 alleles (0.00099%); highest among the groups gnomAD compares: East Asian, 0.0045%; no homozygotes.

Submissions (2):

Labcorp Genetics (formerly Invitae), Labcorp
Classification: Uncertain significance. Last evaluated: 2024-03-04. Review status: criteria provided, single submitter. Criteria: Invitae Variant Classification Sherloc (09022015). Collection method: clinical testing. Allele origin: germline.
Comment: This sequence change replaces proline, which is neutral and non-polar, with leucine, which is neutral and non-polar, at codon 647 of the PLG protein (p.Pro647Leu). This variant is present in population databases (rs187157735, gnomAD 0.01%). This variant has not been reported in the literature in individuals affected with PLG-related conditions. ClinVar contains an entry for this variant (Variation ID: 1693942). Advanced modeling of protein sequence and biophysical properties (such as structural, functional, and spatial information, amino acid conservation, physicochemical variation, residue mobility, and thermodynamic stability) performed at Invitae indicates that this missense variant is not expected to disrupt PLG protein function with a negative predictive value of 80%. In summary, the available evidence is currently insufficient to determine the role of this variant in disease. Therefore, it has been classified as a Variant of Uncertain Significance.

Mayo Clinic Laboratories, Mayo Clinic
Classification: Uncertain significance. Last evaluated: 2021-09-14. Review status: criteria provided, single submitter. Criteria: ACMG Guidelines, 2015. Collection method: clinical testing. Allele origin: germline.

NM_000301.5(PLG):c.1940C>T (p.Pro647Leu)

Gene: PLG (plasminogen; plus strand). Cytogenetic location: 6q26.
Variant type: single nucleotide variant.
Coding change: c.1940C>T on transcript NM_000301.5 (MANE Select); coding-DNA position 1940, C replaced by T.
Protein change: p.Pro647Leu; replaces proline 647 with leucine.
Molecular consequence: missense variant.
Genome position (GRCh38, 1-based): chr6:160,739,130, C>T. VCF-style: chr6-160739130-C-T. GRCh37 (hg19) VCF-style: chr6-161160162-C-T.
Other names: p.Pro647Leu; short protein forms P647L.
Identifiers: ClinVar variation 1693942 (VCV001693942.7), dbSNP rs187157735, ClinGen allele CA4087933.